The following is an entry in ClinVar:

NM_005223.4(DNASE1):c.168C>T (p.Ile56=)

Gene: DNASE1 (deoxyribonuclease 1; plus strand). Cytogenetic location: 16p13.3.
Variant type: single nucleotide variant.
Coding change: c.168C>T on transcript NM_005223.4 (MANE Select); coding-DNA position 168, C replaced by T.
Protein change: p.Ile56=; no amino-acid change (isoleucine 56 retained).
Molecular consequence: synonymous variant. On other transcripts: non-coding transcript variant (2), intron variant (1).
Genome position (GRCh38, 1-based): chr16:3,655,869, C>T. VCF-style: chr16-3655869-C-T. GRCh37 (hg19) VCF-style: chr16-3705870-C-T.
Other names: c.168C>T, p.Ile56= (NM_001351825.2, NM_001387135.1, NM_001387139.1 and 1 more transcripts); c.30-233C>T (NM_001387141.1).
Identifiers: ClinVar variation 3044569 (VCV003044569.2), dbSNP rs557122880, ClinGen allele CA7867088.

ClinVar aggregate classification (germline): Likely benign (0 of 4 stars; one submission).

Conditions:
DNASE1-related disorder. Also called: DNASE1-related condition.

Allele frequency attached by ClinVar (database versions not stated): gnomAD 0.00009; gnomAD exomes 0.00009; 1000 Genomes Project 30x 0.00016; 1000 Genomes Project 0.00020; ExAC 0.00023.
gnomAD v4.1: 145 of 1,613,568 alleles (0.009%); highest among the groups gnomAD compares: South Asian, 0.12%; 4 homozygotes.

Submission:

PreventionGenetics, part of Exact Sciences
Classification: Likely benign for DNASE1-related condition. Last evaluated: 2019-06-05. Review status: no assertion criteria provided. Collection method: clinical testing. Allele origin: germline.
Comment: This variant is classified as likely benign based on ACMG/AMP sequence variant interpretation guidelines (Richards et al. 2015 PMID: 25741868, with internal and published modifications).